The following is an entry in ClinVar:

ClinVar aggregate classification (germline): Likely pathogenic (1 of 4 stars; one submission).

Allele frequency attached by ClinVar (database versions not stated): TOPMed 0.00002; gnomAD 0.00001.
gnomAD v4.1: 1 of 1,597,636 alleles (0.000063%); highest among the groups gnomAD compares: African/African-American, 0.0013%; no homozygotes.

Submission:

GeneDx
Classification: Likely pathogenic. Last evaluated: 2013-08-19. Review status: criteria provided, single submitter. Criteria: GeneDx Variant Classification (06012015). Collection method: clinical testing. Allele origin: germline. Affected: yes.
Comment: A novel D492V missense change likely to be pathogenic was identified in the GYS2 gene. It has not been published as a pathogenic variant, nor has it been reported as a benign polymorphism to our knowledge. D492V is a non-conservative amino acid substitution as a negatively charged, polar Aspartic acid residue is replaced with an uncharged, non-polar Valine residue at a position in the GYS2 protein that is highly conserved across species. Multiple in silico algorithms predict that D492V is damaging to the structure/function of the protein. Therefore, D492V is a strong candidate for a pathogenic variant, however the possibility that it is a benign variant cannot be excluded.

NM_021957.4(GYS2):c.1475A>T (p.Asp492Val)

Gene: GYS2 (glycogen synthase 2; minus strand). Cytogenetic location: 12p12.1.
Variant type: single nucleotide variant.
Coding change: c.1475A>T on transcript NM_021957.4 (MANE Select); coding-DNA position 1475, A replaced by T.
Protein change: p.Asp492Val; replaces aspartic acid 492 with valine.
Molecular consequence: missense variant.
Genome position (GRCh38, 1-based): chr12:21,546,418, T>A on the plus strand (A>T on the coding strand, the complement: GYS2 is on the minus strand). VCF-style: chr12-21546418-T-A. GRCh37 (hg19) VCF-style: chr12-21699352-T-A.
Other names: short protein forms D492V.
Identifiers: ClinVar variation 418239 (VCV000418239.2), dbSNP rs1064793142, ClinGen allele CA16619499.